The following is an entry in ClinVar:

ClinVar aggregate classification (germline): Pathogenic. Review status: reviewed by expert panel (3 of 4 stars). 6 submissions from 6 submitters: Pathogenic (1). 5 of the submissions do not count toward it. Last evaluated 2013-09-05.

Conditions:
Hereditary cancer-predisposing syndrome. Also called: Tumor predisposition; Hereditary Cancer Syndrome; Hereditary neoplastic syndrome; Neoplastic Syndromes, Hereditary. Identifiers: Orphanet 140162, MedGen C0027672, MeSH D009386, MONDO:0015356.
Lynch syndrome. Identifiers: Orphanet 144, MedGen C4552100, MONDO:0005835. Disease mechanism: loss of function.
Hereditary nonpolyposis colorectal neoplasms. Identifiers: MedGen C0009405, MeSH D003123.
Lynch syndrome 5 (LYNCH5). Also called: Colorectal cancer, hereditary nonpolyposis, type 5; Hereditary non-polyposis colorectal cancer, type 5. Identifiers: Orphanet 144, MedGen C1833477, MONDO:0013710, OMIM 614350. Disease mechanism: loss of function.
Endometrial carcinoma. Also called: Endometrial carcinoma, somatic. Identifiers: MedGen C0476089, MONDO:0002447, OMIM 608089, HP:0012114.

Allele frequency attached by ClinVar (database versions not stated): gnomAD exomes below 0.00001.

Submissions (6):

International Society for Gastrointestinal Hereditary Tumours (InSiGHT)
Classification: Pathogenic for Lynch Syndrome. Last evaluated: 2013-09-05. Review status: reviewed by expert panel. Criteria: Guidelines v1.9. Collection method: research. Allele origin: germline.
Comment: Coding sequence variation resulting in a stop codon

Classified with v1.9 guidelines

Labcorp Genetics (formerly Invitae), Labcorp
Classification: Pathogenic for Hereditary nonpolyposis colorectal neoplasms. Last evaluated: 2025-11-17. Review status: criteria provided, single submitter. Criteria: Invitae Variant Classification Sherloc (09022015). Collection method: clinical testing. Allele origin: germline. Not counted in ClinVar's aggregate classification.
Comment: This sequence change creates a premature translational stop signal (p.Asp284Glyfs*2) in the MSH6 gene. It is expected to result in an absent or disrupted protein product. Loss-of-function variants in MSH6 are known to be pathogenic (PMID: 18269114, 24362816). This variant is not present in population databases (gnomAD no frequency). This premature translational stop signal has been observed in individual(s) with colorectal cancer (PMID: 18301448). ClinVar contains an entry for this variant (Variation ID: 89570). For these reasons, this variant has been classified as Pathogenic.

Myriad Genetics, Inc.
Classification: Pathogenic for Lynch syndrome 5. Last evaluated: 2023-08-10. Review status: criteria provided, single submitter. Criteria: Myriad Autosomal Dominant, Autosomal Recessive and X-Linked Classification Criteria (2023). Collection method: clinical testing. Allele origin: unknown. Not counted in ClinVar's aggregate classification.
Comment: This variant is considered pathogenic. This variant creates a frameshift predicted to result in premature protein truncation.

Ambry Genetics
Classification: Pathogenic for Hereditary cancer-predisposing syndrome. Last evaluated: 2022-11-01. Review status: criteria provided, single submitter. Criteria: Ambry Variant Classification Scheme 2023. Collection method: clinical testing. Allele origin: germline. Not counted in ClinVar's aggregate classification.
Comment: The c.845dupT pathogenic mutation, located in coding exon 4 of the MSH6 gene, results from a duplication of T at nucleotide position 845, causing a translational frameshift with a predicted alternate stop codon (p.D284G*2). This variant has been reported in individuals with Lynch syndrome/HNPCC (Steinke V et al. Eur J Hum Genet, 2008 May;16:587-92; Nowak JA et al. J Mol Diagn, 2017 01;19:84-91). This alteration is expected to result in loss of function by premature protein truncation or nonsense-mediated mRNA decay. As such, this alteration is interpreted as a disease-causing mutation.

Laboratory for Molecular Medicine, Mass General Brigham Personalized Medicine
Classification: Pathogenic for Lynch syndrome. Last evaluated: 2022-05-11. Review status: criteria provided, single submitter. Criteria: ACMG Guidelines, 2015. Collection method: clinical testing. Allele origin: germline. Inheritance: Autosomal dominant inheritance. Not counted in ClinVar's aggregate classification.
Comment: The p.Asp284GlyfsX2 variant in MSH6 has been identified in 2 individuals with MSH6-associated cancer (Steinke 2008 PMID: 18301448, LMM pers. comm.). It was absent from large population studies. This variant was classified as Pathogenic on September 5, 2013 by the ClinGen-approved InSiGHT expert panel (Variation ID 89570). This variant is predicted to cause a frameshift, which alters the protein’s amino acid sequence beginning at position 284 and leads to a premature termination codon 2 amino acids downstream. This alteration is then predicted to lead to a truncated or absent protein. Loss of function of the MSH6 gene is an established disease mechanism in autosomal dominant Lynch syndrome. In summary, this variant meets criteria to be classified as pathogenic for autosomal dominant Lynch syndrome. ACMG/AMP Criteria applied: PVS1, PM2_Supporting, PS4_Supporting.

Baylor Genetics
Classification: Pathogenic for Endometrial carcinoma. Last evaluated: 2021-12-18. Review status: criteria provided, single submitter. Criteria: ACMG Guidelines, 2015. Collection method: clinical testing. Allele origin: unknown. Not counted in ClinVar's aggregate classification.

Literature cited by the submitters: PubMed 18269114 (cited by Labcorp Genetics (formerly Invitae), Labcorp); PubMed 24362816 (cited by Labcorp Genetics (formerly Invitae), Labcorp); PubMed 18301448 (cited by 3 submitters); PubMed 27863258 (cited by Ambry Genetics).

NM_000179.3(MSH6):c.845dup (p.Asp284fs)

Gene: MSH6 (mutS homolog 6; plus strand). Cytogenetic location: 2p16.3.
Variant type: Duplication.
Coding change: c.845dup on transcript NM_000179.3 (MANE Select); coding-DNA position 845, one base duplicated (T; older notation c.845dupT).
Protein change: p.Asp284fs; shifts the reading frame from aspartic acid 284.
Molecular consequence: frameshift variant. On other transcripts: 5 prime UTR variant (2).
Genome position (GRCh38, 1-based): chr2:47,798,828, T duplicated. VCF-style (leftmost placement, unchanged base first): chr2-47798827-G-GT. GRCh37 (hg19) VCF-style: chr2-48025966-G-GT.
Other names: c.455dup, p.Asp154fs (NM_001281492.2); c.-62dup (NM_001281493.2, NM_001281494.2); c.845dupT (NM_000179.2); short protein forms D154fs, D284fs.
Identifiers: ClinVar variation 89570 (VCV000089570.15), dbSNP rs1553412283, ClinGen allele CA016528.
Genomic context (GRCh38, chr2:47,798,827, plus strand): 5'-GATGTGGAATTTAAGCCAGACACTAAGGAGGAAGGAAGCAGTGATGAAATAAGCAGTGGA[G>GT]TGGGGGATAGTGAGAGTGAAGGCCTGAACAGCCCTGTCAAAGTTGCTCGAAAGCGGAAGA-3'